The following is an entry in ClinVar:

ClinVar aggregate classification (germline): Uncertain significance (1 of 4 stars; one submission).

Submission:

Labcorp Genetics (formerly Invitae), Labcorp
Classification: Uncertain significance. Last evaluated: 2025-10-20. Review status: criteria provided, single submitter. Criteria: Invitae Variant Classification Sherloc (09022015). Collection method: clinical testing. Allele origin: germline.
Comment: This sequence change replaces leucine, which is neutral and non-polar, with phenylalanine, which is neutral and non-polar, at codon 173 of the KCNQ5 protein (p.Leu173Phe). This variant is not present in population databases (gnomAD no frequency). This variant has not been reported in the literature in individuals affected with KCNQ5-related conditions. ClinVar contains an entry for this variant (Variation ID: 2749659). Invitae Evidence Modeling of protein sequence and biophysical properties (such as structural, functional, and spatial information, amino acid conservation, physicochemical variation, residue mobility, and thermodynamic stability) indicates that this missense variant is not expected to disrupt KCNQ5 protein function with a negative predictive value of 80%. In summary, the available evidence is currently insufficient to determine the role of this variant in disease. Therefore, it has been classified as a Variant of Uncertain Significance.

NM_019842.4(KCNQ5):c.519G>T (p.Leu173Phe)

Gene: KCNQ5 (potassium voltage-gated channel subfamily Q member 5; plus strand). Cytogenetic location: 6q13.
Variant type: single nucleotide variant.
Coding change: c.519G>T on transcript NM_019842.4 (MANE Select); coding-DNA position 519, G replaced by T.
Protein change: p.Leu173Phe; replaces leucine 173 with phenylalanine.
Molecular consequence: missense variant.
Genome position (GRCh38, 1-based): chr6:73,041,965, G>T. VCF-style: chr6-73041965-G-T. GRCh37 (hg19) VCF-style: chr6-73751688-G-T.
Other names: c.519G>T, p.Leu173Phe (NM_001160130.2, NM_001160132.2, NM_001160133.2 and 1 more transcripts); short protein forms L173F.
Identifiers: ClinVar variation 2749659 (VCV002749659.3), dbSNP rs2533481680, ClinGen allele CA364825118.